The following is an entry in ClinVar:

NM_181303.2(NLGN3):c.534A>T (p.Lys178Asn)

Gene: NLGN3 (neuroligin 3; plus strand). Cytogenetic location: Xq13.1.
Variant type: single nucleotide variant.
Coding change: c.534A>T on transcript NM_181303.2 (MANE Select); coding-DNA position 534, A replaced by T.
Protein change: p.Lys178Asn; replaces lysine 178 with asparagine.
Molecular consequence: missense variant. On other transcripts: intron variant (1).
Genome position (GRCh38, 1-based): chrX:71,153,493, A>T. VCF-style: chrX-71153493-A-T. GRCh37 (hg19) VCF-style: chrX-70373343-A-T.
Other names: c.123A>T, p.Lys41Asn (NM_001321276.2); c.474A>T, p.Lys158Asn (NM_018977.4); c.458-1721A>T (NM_001166660.2); short protein forms K158N, K178N, K41N.
Identifiers: ClinVar variation 3360598 (VCV003360598.1).

ClinVar aggregate classification (germline): Uncertain significance (1 of 4 stars; one submission).

Submission:

GeneDx
Classification: Uncertain significance. Last evaluated: 2023-06-28. Review status: criteria provided, single submitter. Criteria: GeneDx Variant Classification Process June 2021. Collection method: clinical testing. Allele origin: germline. Affected: yes.
Comment: Not observed at significant frequency in large population cohorts (gnomAD); In silico analysis supports that this missense variant does not alter protein structure/function; Has not been previously published as pathogenic or benign to our knowledge